The following is an entry in ClinVar:

NM_032122.5(DTNBP1):c.489-8dup

Gene: DTNBP1 (dystrobrevin binding protein 1; minus strand). Cytogenetic location: 6p22.3.
Variant type: Duplication.
Coding change: c.489-8dup on transcript NM_032122.5 (MANE Select); 8 bases into the intron before coding-DNA position 489, one base duplicated (T; older notation c.489-8dupT).
Molecular consequence: intron variant.
Genome position (GRCh38, 1-based): chr6:15,593,089, A duplicated on the plus strand (T on the coding strand, the reverse complement: DTNBP1 is on the minus strand); the first of 14 consecutive A bases (chr6:15,593,089-15,593,102); duplicating any one gives the same sequence. VCF-style (leftmost placement, unchanged base first): chr6-15593088-G-GA. GRCh37 (hg19) VCF-style: chr6-15593319-G-GA.
Other names: p.?; c.384-8dup (NM_001271669.2); c.438-8dup (NM_001271668.2); c.246-8dup (NM_001271667.2); c.489-8dup (NM_183040.2, NM_032122.4); c.489-8dupT (NM_032122.4).
Identifiers: ClinVar variation 355969 (VCV000355969.14), dbSNP rs199770715, ClinGen allele CA3644076.

ClinVar aggregate classification (germline): Benign/Likely benign. Review status: criteria provided, multiple submitters, no conflicts (2 of 4 stars). 7 submissions from 7 submitters: Benign (3); Likely benign (1). 3 of the submissions do not count toward it. Last evaluated 2024-11-27.

Submissions (7):

Blueprint Genetics
Classification: Likely benign. Last evaluated: 2024-11-27. Review status: criteria provided, single submitter. Criteria: ACMG Guidelines, 2015. Collection method: clinical testing. Allele origin: germline.

Mayo Clinic Laboratories, Mayo Clinic
Classification: Benign. Last evaluated: 2023-08-22. Review status: criteria provided, single submitter. Criteria: ACMG Guidelines, 2015. Collection method: clinical testing. Allele origin: germline. Observed: 172 variant alleles.
Comment: BA1, BS2, BP4, BP7

GeneDx
Classification: Benign. Last evaluated: 2019-08-20. Review status: criteria provided, single submitter. Criteria: GeneDx Variant Classification Process June 2021. Collection method: clinical testing. Allele origin: germline. Affected: yes.

Laboratory for Molecular Medicine, Mass General Brigham Personalized Medicine
Classification: Benign. Last evaluated: 2016-03-29. Review status: criteria provided, single submitter. Criteria: LMM Criteria. Collection method: clinical testing. Allele origin: germline.
Comment: Variant identified in a genome or exome case(s) and assessed due to predicted null impact of the variant or pathogenic assertions in the literature or databases. Disclaimer: This variant has not undergone full assessment. The following are preliminary notes: Frequency

Clinical Genetics DNA and cytogenetics Diagnostics Lab, Erasmus MC, Erasmus Medical Center
Classification: Benign. Review status: no assertion criteria provided. Collection method: clinical testing. Allele origin: germline. Affected: yes. Study: VKGL Data-share Consensus. Not counted in ClinVar's aggregate classification.

Clinical Genetics, Academic Medical Center
Classification: Benign. Review status: no assertion criteria provided. Collection method: clinical testing. Allele origin: germline. Affected: yes. Study: VKGL Data-share Consensus. Not counted in ClinVar's aggregate classification.

Laboratory of Diagnostic Genome Analysis, Leiden University Medical Center (LUMC)
Classification: Likely benign. Review status: no assertion criteria provided. Collection method: clinical testing. Allele origin: germline. Affected: yes. Study: VKGL Data-share Consensus. Not counted in ClinVar's aggregate classification.